The following is an entry in ClinVar:

ClinVar aggregate classification (germline): Pathogenic/Likely pathogenic. Review status: criteria provided, multiple submitters, no conflicts (2 of 4 stars). 2 submissions from 2 submitters: Pathogenic (1); Likely pathogenic (1). Last evaluated 2024-06-07.

Conditions:
Mucopolysaccharidosis, MPS-II (MPS2). Also called: Hunter Syndrome; IDURONATE 2-SULFATASE DEFICIENCY; Mucopolysaccharidosis Type II; Attenuated MPS (subtype; formerly known as mild MPS II); Severe MPS II; I2S deficiency. Identifiers: Orphanet 580, Orphanet 79388, MedGen C0026705, MONDO:0010674, OMIM 309900.

Submissions (2):

Laboratory of Diagnosis and Therapy of Lysosomal Disorders, University of Padova
Classification: Pathogenic for Mucopolysaccharidosis, MPS-II. Last evaluated: 2024-06-07. Review status: criteria provided, single submitter. Criteria: ACMG Guidelines, 2015. Collection method: literature only. Allele origin: germline. Affected: yes. Observed: 1 variant allele.
Comment: In vitro or in vivo functional studies supportive of a damaging effect (PS3_Strong), Absent from controls (or at low frequency) in gnomAD database (PM2_Moderate), Missense variant in a gene with a low rate of benign missense variation (PP2_Supporting), Multiple lines of computational evidence support a deleterious effect (PP3_Supporting), Patient’s phenotype or family history highly specific for the disease (PP4_Moderate)

Classification method: ACMG Guidelines [PMID:25741868] with modifications

Labcorp Genetics (formerly Invitae), Labcorp
Classification: Likely pathogenic for Mucopolysaccharidosis, MPS-II. Last evaluated: 2021-11-04. Review status: criteria provided, single submitter. Criteria: Invitae Variant Classification Sherloc (09022015). Collection method: clinical testing. Allele origin: germline.
Comment: In summary, the currently available evidence indicates that the variant is pathogenic, but additional data are needed to prove that conclusively. Therefore, this variant has been classified as Likely Pathogenic. This variant disrupts the p.Ser152 amino acid residue in IDS. Other variant(s) that disrupt this residue have been observed in individuals with IDS-related conditions (PMID: 23430829, 27146977), which suggests that this may be a clinically significant amino acid residue. Experimental studies have shown that this missense change affects IDS function (PMID: 31877959). Algorithms developed to predict the effect of missense changes on protein structure and function (SIFT, PolyPhen-2, Align-GVGD) all suggest that this variant is likely to be disruptive. This missense change has been observed in individual(s) with mucopolysaccharidosis II (PMID: 31877959). This variant is not present in population databases (gnomAD no frequency). This sequence change replaces serine, which is neutral and polar, with arginine, which is basic and polar, at codon 152 of the IDS protein (p.Ser152Arg).

Literature cited by the submitters: PubMed 31877959 (cited by Laboratory of Diagnosis and Therapy of Lysosomal Disorders, University of Padova and Labcorp Genetics (formerly Invitae), Labcorp); PubMed 23430829 (cited by Labcorp Genetics (formerly Invitae), Labcorp); PubMed 27146977 (cited by Labcorp Genetics (formerly Invitae), Labcorp).

NM_000202.8(IDS):c.454A>C (p.Ser152Arg)

Genes: IDS (iduronate 2-sulfatase; minus strand), LOC106050102 (IDS recombination region; plus strand). Cytogenetic location: Xq28.
Variant type: single nucleotide variant.
Coding change: c.454A>C on transcript NM_000202.8 (MANE Select); coding-DNA position 454, A replaced by C.
Protein change: p.Ser152Arg; replaces serine 152 with arginine.
Molecular consequence: missense variant. On other transcripts: non-coding transcript variant (1).
Genome position (GRCh38, 1-based): chrX:149,501,002, T>G on the plus strand (A>C on the coding strand, the complement: IDS is on the minus strand). VCF-style: chrX-149501002-T-G. GRCh37 (hg19) VCF-style: chrX-148582533-T-G.
Other names: c.184A>C, p.Ser62Arg (NM_001166550.4); c.454A>C, p.Ser152Arg (NM_006123.5); short protein forms S152R, S62R.
Identifiers: ClinVar variation 1478222 (VCV001478222.8), dbSNP rs2124055504, ClinGen allele CA414523152.